The following is an entry in ClinVar:

NM_002160.4(TNC):c.3909G>A (p.Thr1303=)

Gene: TNC (tenascin C; minus strand). Cytogenetic location: 9q33.1.
Variant type: single nucleotide variant.
Coding change: c.3909G>A on transcript NM_002160.4 (MANE Select); coding-DNA position 3909, G replaced by A.
Protein change: p.Thr1303=; no amino-acid change (threonine 1303 retained).
Molecular consequence: synonymous variant.
Genome position (GRCh38, 1-based): chr9:115,063,041, C>T on the plus strand (G>A on the coding strand, the complement: TNC is on the minus strand). VCF-style: chr9-115063041-C-T. GRCh37 (hg19) VCF-style: chr9-117825320-C-T.
Identifiers: ClinVar variation 1320566 (VCV001320566.3), dbSNP rs371392541, ClinGen allele CA5208093.

ClinVar aggregate classification (germline): Likely benign. Review status: criteria provided, multiple submitters, no conflicts (2 of 4 stars). 2 submissions from 2 submitters: Likely benign (2). Last evaluated 2024-12-27.

Conditions:
TNC-related disorder. Also called: TNC-related condition.

Allele frequency attached by ClinVar (database versions not stated): gnomAD exomes 0.00003 and 0.00007; gnomAD 0.00005 and 0.00006; ExAC 0.00007; TOPMed 0.00008.
gnomAD v4.1: 104 of 1,614,064 alleles (0.0064%); highest among the groups gnomAD compares: East Asian, 0.036%; 1 homozygote.

Submissions (2):

PreventionGenetics, part of Exact Sciences
Classification: Likely benign for TNC-related condition. Last evaluated: 2024-12-27. Review status: criteria provided, single submitter. Criteria: ACMG Guidelines, 2015. Collection method: clinical testing. Allele origin: germline.
Comment: This variant is classified as likely benign based on ACMG/AMP sequence variant interpretation guidelines (Richards et al. 2015 PMID: 25741868, with internal and published modifications).

GeneDx
Classification: Likely benign. Last evaluated: 2021-04-02. Review status: criteria provided, single submitter. Criteria: GeneDx Variant Classification Process June 2021. Collection method: clinical testing. Allele origin: germline. Affected: yes.